The following is an entry in ClinVar:

NM_016222.4(DDX41):c.139-4T>G

Gene: DDX41 (DEAD-box helicase 41; minus strand). Cytogenetic location: 5q35.3.
Variant type: single nucleotide variant.
Coding change: c.139-4T>G on transcript NM_016222.4 (MANE Select); 4 bases into the intron before coding-DNA position 139, T replaced by G.
Molecular consequence: intron variant. On other transcripts: 5 prime UTR variant (2).
Genome position (GRCh38, 1-based): chr5:177,516,451, A>C on the plus strand (T>G on the coding strand, the complement: DDX41 is on the minus strand). VCF-style: chr5-177516451-A-C. GRCh37 (hg19) VCF-style: chr5-176943452-A-C.
Other names: c.-244T>G (NM_001321732.2, NM_001321830.2); c.139-4T>G (NM_016222.3, LRG_1386t1).
Identifiers: ClinVar variation 434915 (VCV000434915.15), dbSNP rs192297583, ClinGen allele CA3585316.

ClinVar aggregate classification (germline): Benign/Likely benign. Review status: criteria provided, multiple submitters, no conflicts (2 of 4 stars). 5 submissions from 5 submitters: Benign (3); Likely benign (1). 1 of the submissions does not count toward it. Last evaluated 2026-02-01.

Conditions:
Inborn genetic diseases. Identifiers: MedGen C0950123, MeSH D030342.
DDX41-related disorder. Also called: DDX41-related condition.

Allele frequency attached by ClinVar (database versions not stated): ESP Exome Variant Server 0.00123; gnomAD 0.00127 and 0.00151; TOPMed 0.00139; gnomAD exomes 0.00181 and 0.00261; 1000 Genomes Project 30x 0.00203; 1000 Genomes Project 0.00240; ExAC 0.00278.
gnomAD v4.1: 2,947 of 1,613,240 alleles (0.18%); highest among the groups gnomAD compares: Middle Eastern, 1%; 23 homozygotes.

Submissions (5):

Labcorp Genetics (formerly Invitae), Labcorp
Classification: Benign. Last evaluated: 2026-02-01. Review status: criteria provided, single submitter. Criteria: Invitae Variant Classification Sherloc (09022015). Collection method: clinical testing. Allele origin: germline.

Blueprint Genetics
Classification: Likely benign. Last evaluated: 2024-11-20. Review status: criteria provided, single submitter. Criteria: ACMG Guidelines, 2015. Collection method: clinical testing. Allele origin: germline.

Ambry Genetics
Classification: Benign for Inborn genetic diseases. Last evaluated: 2024-03-20. Review status: criteria provided, single submitter. Criteria: Ambry Variant Classification Scheme 2023. Collection method: clinical testing. Allele origin: germline.

Genetic Services Laboratory, University of Chicago
Classification: Benign. Last evaluated: 2017-12-11. Review status: criteria provided, single submitter. Criteria: ACMG Guidelines, 2015. Collection method: clinical testing. Allele origin: germline. Affected: no.

PreventionGenetics, part of Exact Sciences
Classification: Benign for DDX41-related condition. Last evaluated: 2022-02-02. Review status: no assertion criteria provided. Collection method: clinical testing. Allele origin: germline. Not counted in ClinVar's aggregate classification.
Comment: This variant is classified as benign based on ACMG/AMP sequence variant interpretation guidelines (Richards et al. 2015 PMID: 25741868, with internal and published modifications).